The following is an entry in ClinVar:

ClinVar aggregate classification (germline): Uncertain significance (1 of 4 stars; one submission).

Submission:

Labcorp Genetics (formerly Invitae), Labcorp
Classification: Uncertain significance. Last evaluated: 2025-02-26. Review status: criteria provided, single submitter. Criteria: Invitae Variant Classification Sherloc (09022015). Collection method: clinical testing. Allele origin: germline.
Comment: This variant, c.159_170del, results in the deletion of 4 amino acid(s) of the RUNX2 protein (p.Gln68_Gln71del), but otherwise preserves the integrity of the reading frame. The frequency data for this variant in the population databases is considered unreliable, as metrics indicate poor data quality at this position in the gnomAD database. This variant has not been reported in the literature in individuals affected with RUNX2-related conditions. Experimental studies and prediction algorithms are not available or were not evaluated, and the functional significance of this variant is currently unknown. In summary, the available evidence is currently insufficient to determine the role of this variant in disease. Therefore, it has been classified as a Variant of Uncertain Significance.

NM_001024630.4(RUNX2):c.147ACAGCAGCAGCA[1] (p.Gln68_Gln71del)

Genes: RUNX2 (RUNX family transcription factor 2; plus strand), LOC109611589 (runt related transcription factor 2 polyalanine expansion region; plus strand). Cytogenetic location: 6p21.1.
Variant type: Microsatellite.
Coding change: c.147ACAGCAGCAGCA[1] on transcript NM_001024630.4 (MANE Select); one copy of the 12-base unit ACAGCAGCAGCA starting at c.147; the reference has two copies in a row; one copy, 12 bases deleted.
Protein change: p.Gln68_Gln71del.
Molecular consequence: inframe deletion.
Genome position (GRCh38, 1-based): chr6:45,422,693-45,422,704, ACAGCAGCAGCA deleted; deleting any 12 consecutive bases within chr6:45,422,678-45,422,704 gives the same sequence; the position shown is the placement nearest the transcript's 3' end. VCF-style (leftmost placement, unchanged base first): chr6-45422677-CGCAACAGCAGCA-C. GRCh37 (hg19) VCF-style: chr6-45390414-CGCAACAGCAGCA-C.
Other names: c.147ACAGCAGCAGCA[1], p.Gln68_Gln71del (NM_001015051.4); c.105ACAGCAGCAGCA[1], p.Gln54_Gln57del (NM_001278478.2, NM_001369405.1).
Identifiers: ClinVar variation 1062153 (VCV001062153.7), dbSNP rs758522642, ClinGen allele CA3836264.
Genomic context (GRCh38, chr6:45,422,677, plus strand): 5'-GCCCCCCCTCCAGCAGCCTGCAGCCCGGCAAAATGAGCGACGTGAGCCCGGTGGTGGCTG[CGCAACAGCAGCA>C]GCAACAGCAGCAGCAGCAACAGCAGCAGCAGCAGCAGCAACAGCAGCAGCAGCAGCAGGA-3'